The following is an entry in ClinVar:

NM_004211.5(SLC6A5):c.2326C>G (p.Pro776Ala)

Gene: SLC6A5 (solute carrier family 6 member 5; plus strand). Cytogenetic location: 11p15.1.
Variant type: single nucleotide variant.
Coding change: c.2326C>G on transcript NM_004211.5 (MANE Select); coding-DNA position 2326, C replaced by G.
Protein change: p.Pro776Ala; replaces proline 776 with alanine.
Molecular consequence: missense variant.
Genome position (GRCh38, 1-based): chr11:20,654,800, C>G. VCF-style: chr11-20654800-C-G. GRCh37 (hg19) VCF-style: chr11-20676346-C-G.
Other names: c.1624C>G, p.Pro542Ala (NM_001318369.2); short protein forms P542A, P776A.
Identifiers: ClinVar variation 1522636 (VCV001522636.8), dbSNP rs2133827678, ClinGen allele CA379916721.

ClinVar aggregate classification (germline): Uncertain significance (1 of 4 stars; one submission).

Conditions:
Hyperekplexia 3 (HKPX3). Also called: HYPEREKPLEXIA 3, AUTOSOMAL RECESSIVE; HYPEREKPLEXIA 3, AUTOSOMAL DOMINANT. Identifiers: Orphanet 3197, MedGen C3553288, MONDO:0013827, OMIM 614618.

Submission:

Labcorp Genetics (formerly Invitae), Labcorp
Classification: Uncertain significance for Hyperekplexia 3. Last evaluated: 2024-10-14. Review status: criteria provided, single submitter. Criteria: Invitae Variant Classification Sherloc (09022015). Collection method: clinical testing. Allele origin: germline.
Comment: This sequence change replaces proline, which is neutral and non-polar, with alanine, which is neutral and non-polar, at codon 776 of the SLC6A5 protein (p.Pro776Ala). This variant is not present in population databases (gnomAD no frequency). This variant has not been reported in the literature in individuals affected with SLC6A5-related conditions. ClinVar contains an entry for this variant (Variation ID: 1522636). Invitae Evidence Modeling of protein sequence and biophysical properties (such as structural, functional, and spatial information, amino acid conservation, physicochemical variation, residue mobility, and thermodynamic stability) indicates that this missense variant is not expected to disrupt SLC6A5 protein function with a negative predictive value of 95%. In summary, the available evidence is currently insufficient to determine the role of this variant in disease. Therefore, it has been classified as a Variant of Uncertain Significance.